The following is an entry in ClinVar:

ClinVar aggregate classification (germline): Uncertain significance (1 of 4 stars; one submission).

Conditions:
MC3R-related disorder. Also called: MC3R-related condition.

Submission:

PreventionGenetics, part of Exact Sciences
Classification: Uncertain significance for MC3R-related condition. Last evaluated: 2026-08-26. Review status: criteria provided, single submitter. Criteria: ACMG Guidelines, 2015. Collection method: clinical testing. Allele origin: germline.
Comment: The MC3R c.503T>A variant is predicted to result in the amino acid substitution p.Ile168Asn. This variant has been reported in an individual with childhood obesity (Table S1, Šket et al. 2022. PubMed ID: 35574020). This variant is reported in 0.029% of alleles in individuals of Ashkenazi Jewish descent in gnomAD. At this time, the clinical significance of this variant is uncertain due to the absence of conclusive functional and genetic evidence.

NM_019888.3(MC3R):c.503T>A (p.Ile168Asn)

Gene: MC3R (melanocortin 3 receptor; plus strand). Cytogenetic location: 20q13.2.
Variant type: single nucleotide variant.
Coding change: c.503T>A on transcript NM_019888.3 (MANE Select); coding-DNA position 503, T replaced by A.
Protein change: p.Ile168Asn; replaces isoleucine 168 with asparagine.
Molecular consequence: missense variant.
Genome position (GRCh38, 1-based): chr20:56,249,346, T>A. VCF-style: chr20-56249346-T-A. GRCh37 (hg19) VCF-style: chr20-54824402-T-A.
Other names: short protein forms I168N.
Identifiers: ClinVar variation 3352556 (VCV003352556.2).
Genomic context (GRCh38, chr20:56,249,346, plus strand): 5'-ACGCGCTCCGCTACCACAGCATCATGACCGTGAGGAAGGCCCTCACCTTGATCGTGGCCA[T>A]CTGGGTCTGCTGCGGCGTCTGTGGCGTGGTGTTCATCGTCTACTCGGAGAGCAAAATGGT-3'
Protein context (NP_063941.3, residues 158-178): VRKALTLIVA[Ile168Asn]WVCCGVCGVV